The following is an entry in ClinVar:

ClinVar aggregate classification (germline): Likely pathogenic (1 of 4 stars; one submission).

Conditions:
Joubert syndrome. Also called: Familial aplasia of the vermis; JOUBERT-BOLTSHAUSER SYNDROME; CEREBELLOPARENCHYMAL DISORDER IV. Identifiers: Orphanet 475, MedGen C5979921, MONDO:0018772.

gnomAD v4.1: 1 of 1,612,038 alleles (0.000062%); highest among the groups gnomAD compares: African/African-American, 0.0013%; no homozygotes.

Submission:

Natera, Inc.
Classification: Likely pathogenic for Joubert syndrome. Last evaluated: 2024-07-15. Review status: criteria provided, single submitter. Criteria: Natera Variant Classification Schema (03/2026). Collection method: clinical testing. Allele origin: germline.
Comment: The c.3061-2A>G variant in RPGRIP1L is a canonical splice acceptor site variant predicted to affect pre-mRNA splicing, which may result in an abnormal transcript and altered protein product. This variant is expected to result in nonsense mediated decay, truncation, or a dysfunctional protein product. This variant is rare in the general population with a frequency below the threshold expected for the associated phenotype(s). Given the available evidence, this variant is classified as Likely Pathogenic.

NM_015272.5(RPGRIP1L):c.3061-2A>G

Gene: RPGRIP1L (RPGRIP1 like; minus strand). Cytogenetic location: 16q12.2.
Variant type: single nucleotide variant.
Coding change: c.3061-2A>G on transcript NM_015272.5 (MANE Select); the canonical splice acceptor site of the intron before coding-DNA position 3061, A replaced by G.
Molecular consequence: splice acceptor variant.
Genome position (GRCh38, 1-based): chr16:53,637,856, T>C on the plus strand (A>G on the coding strand, the complement: RPGRIP1L is on the minus strand). VCF-style: chr16-53637856-T-C. GRCh37 (hg19) VCF-style: chr16-53671768-T-C.
Other names: c.2959-2A>G (NM_001127897.4, NM_001330538.2); c.3061-2A>G (NM_001308334.3).
Identifiers: ClinVar variation 4815841 (VCV004815841.1).